The following is an entry in ClinVar:

ClinVar aggregate classification (germline): Uncertain significance. Review status: criteria provided, multiple submitters, no conflicts (2 of 4 stars). 2 submissions from 2 submitters: Uncertain significance (2). Last evaluated 2025-08-22.

Allele frequency attached by ClinVar (database versions not stated): ExAC 0.00001; gnomAD exomes 0.00001; TOPMed 0.00005; ESP Exome Variant Server 0.00008; gnomAD 0.00008.
gnomAD v4.1: 23 of 1,613,594 alleles (0.0014%); highest among the groups gnomAD compares: African/African-American, 0.016%; no homozygotes.

Submissions (2):

Ambry Genetics
Classification: Uncertain significance. Last evaluated: 2025-08-22. Review status: criteria provided, single submitter. Criteria: Ambry Variant Classification Scheme 2023. Collection method: clinical testing. Allele origin: germline.

Labcorp Genetics (formerly Invitae), Labcorp
Classification: Uncertain significance. Last evaluated: 2023-06-29. Review status: criteria provided, single submitter. Criteria: Invitae Variant Classification Sherloc (09022015). Collection method: clinical testing. Allele origin: germline.
Comment: In summary, the available evidence is currently insufficient to determine the role of this variant in disease. Therefore, it has been classified as a Variant of Uncertain Significance. Advanced modeling of protein sequence and biophysical properties (such as structural, functional, and spatial information, amino acid conservation, physicochemical variation, residue mobility, and thermodynamic stability) performed at Invitae indicates that this missense variant is not expected to disrupt ARHGEF10 protein function. ClinVar contains an entry for this variant (Variation ID: 1936641). This variant has not been reported in the literature in individuals affected with ARHGEF10-related conditions. This variant is present in population databases (rs146291427, gnomAD 0.01%). This sequence change replaces leucine, which is neutral and non-polar, with phenylalanine, which is neutral and non-polar, at codon 732 of the ARHGEF10 protein (p.Leu732Phe).

NM_014629.4(ARHGEF10):c.2196G>T (p.Leu732Phe)

Genes: ARHGEF10 (Rho guanine nucleotide exchange factor 10; plus strand), LOC126860281 (CDK7 strongly-dependent group 2 enhancer GRCh37_chr8:1870370-1871569; plus strand). Cytogenetic location: 8p23.3.
Variant type: single nucleotide variant.
Coding change: c.2196G>T on transcript NM_014629.4 (MANE Select); coding-DNA position 2196, G replaced by T.
Protein change: p.Leu732Phe; replaces leucine 732 with phenylalanine.
Molecular consequence: missense variant.
Genome position (GRCh38, 1-based): chr8:1,923,016, G>T. VCF-style: chr8-1923016-G-T. GRCh37 (hg19) VCF-style: chr8-1871182-G-T.
Other names: c.2082G>T, p.Leu694Phe (NM_001308152.2); c.2196G>T, p.Leu732Phe (NM_001308153.3); short protein forms L732F, L756F, L694F.
Identifiers: ClinVar variation 1936641 (VCV001936641.6), dbSNP rs146291427, ClinGen allele CA4600785.